The following is an entry in ClinVar:

ClinVar aggregate classification (germline): Uncertain significance. Review status: criteria provided, multiple submitters, no conflicts (2 of 4 stars). 2 submissions from 2 submitters: Uncertain significance (2). Last evaluated 2022-12-20.

Conditions:
Cataract 1 multiple types. Also called: CATARACT 1, MULTIPLE TYPES, WITH OR WITHOUT MICROCORNEA; CATARACT, DUFFY-LINKED; CATARACT 1, POSTERIOR SUBCAPSULAR, WITH MICROCORNEA; CATARACT 1, STELLATE NUCLEAR, WITH MICROCORNEA; CATARACT 1 WITH MICROCORNEA; CATARACT 1, NUCLEAR PROGRESSIVE. Identifiers: Orphanet 1377, MedGen C1861828, MONDO:0007285, OMIM 116200.

Submissions (2):

GeneDx
Classification: Uncertain significance. Last evaluated: 2022-12-20. Review status: criteria provided, single submitter. Criteria: GeneDx Variant Classification Process June 2021. Collection method: clinical testing. Allele origin: germline. Affected: yes.
Comment: Not observed in large population cohorts (gnomAD); In silico analysis supports that this missense variant does not alter protein structure/function; Has not been previously published as pathogenic or benign to our knowledge

Labcorp Genetics (formerly Invitae), Labcorp
Classification: Uncertain significance for Cataract 1 multiple types. Last evaluated: 2021-09-01. Review status: criteria provided, single submitter. Criteria: Invitae Variant Classification Sherloc (09022015). Collection method: clinical testing. Allele origin: germline.
Comment: In summary, the available evidence is currently insufficient to determine the role of this variant in disease. Therefore, it has been classified as a Variant of Uncertain Significance. Algorithms developed to predict the effect of sequence changes on RNA splicing suggest that this variant may create or strengthen a splice site. Algorithms developed to predict the effect of missense changes on protein structure and function (SIFT, PolyPhen-2, Align-GVGD) all suggest that this variant is likely to be disruptive. This variant has not been reported in the literature in individuals affected with GJA8-related conditions. This variant is not present in population databases (ExAC no frequency). This sequence change replaces lysine with arginine at codon 158 of the GJA8 protein (p.Lys158Arg). The lysine residue is highly conserved and there is a small physicochemical difference between lysine and arginine.

NM_005267.5(GJA8):c.473A>G (p.Lys158Arg)

Gene: GJA8 (gap junction protein alpha 8; plus strand). Cytogenetic location: 1q21.2.
Variant type: single nucleotide variant.
Coding change: c.473A>G on transcript NM_005267.5 (MANE Select); coding-DNA position 473, A replaced by G.
Protein change: p.Lys158Arg; replaces lysine 158 with arginine.
Molecular consequence: missense variant.
Genome position (GRCh38, 1-based): chr1:147,908,428, A>G. VCF-style: chr1-147908428-A-G. GRCh37 (hg19) VCF-style: chr1-147380555-A-G.
Other names: short protein forms K158R.
Identifiers: ClinVar variation 1511155 (VCV001511155.7), dbSNP rs2149015799, ClinGen allele CA342224580.
Genomic context (GRCh38, chr1:147,908,428, plus strand): 5'-CTAAGAAGTTCCGGCTGGAGGGGACCCTGCTGAGGACCTACATCTGCCACATCATCTTCA[A>G]GACCCTCTTTGAAGTGGGCTTCATCGTGGGCCACTACTTCCTGTACGGGTTCCGGATCCT-3'
Protein context (NP_005258.2, residues 148-168): LRTYICHIIF[Lys158Arg]TLFEVGFIVG